The following is an entry in ClinVar:

NM_138694.4(PKHD1):c.2981G>A (p.Arg994Gln)

Gene: PKHD1 (PKHD1 ciliary IPT domain containing fibrocystin/polyductin; minus strand). Cytogenetic location: 6p12.2.
Variant type: single nucleotide variant.
Coding change: c.2981G>A on transcript NM_138694.4 (MANE Select); coding-DNA position 2981, G replaced by A.
Protein change: p.Arg994Gln; replaces arginine 994 with glutamine.
Molecular consequence: missense variant.
Genome position (GRCh38, 1-based): chr6:52,042,975, C>T on the plus strand (G>A on the coding strand, the complement: PKHD1 is on the minus strand). VCF-style: chr6-52042975-C-T. GRCh37 (hg19) VCF-style: chr6-51907773-C-T.
Other names: c.2981G>A, p.Arg994Gln (NM_170724.3); short protein forms R994Q.
Identifiers: ClinVar variation 458593 (VCV000458593.11), dbSNP rs753169961, ClinGen allele CA138961789.

ClinVar aggregate classification (germline): Conflicting classifications of pathogenicity. Review status: criteria provided, conflicting classifications (1 of 4 stars). 7 submissions from 7 submitters: Uncertain significance (5); Likely benign (1). 1 of the submissions does not count toward it. Last evaluated 2024-04-26.

Conditions:
Polycystic kidney disease 4 (PKD4). Also called: Autosomal Recessive Polycystic Kidney Disease – PKHD1; POLYCYSTIC KIDNEY AND HEPATIC DISEASE 1; POLYCYSTIC KIDNEY DISEASE, INFANTILE, TYPE I; POLYCYSTIC KIDNEY DISEASE 4 WITH OR WITHOUT POLYCYSTIC LIVER DISEASE; PKD3. Identifiers: MedGen C4540575, MONDO:0033004, OMIM 263200.
Inborn genetic diseases. Identifiers: MedGen C0950123, MeSH D030342.
Autosomal recessive polycystic kidney disease (ARPKD). Also called: AR polycystic kidney disease. Identifiers: Orphanet 731, Orphanet 8378, MedGen C0085548, MeSH D017044, MONDO:0009889.

Allele frequency attached by ClinVar (database versions not stated): gnomAD exomes 0.00002 and 0.00007; gnomAD 0.00004; TOPMed 0.00010; 1000 Genomes Project 30x 0.00016.
gnomAD v4.1: 110 of 1,613,980 alleles (0.0068%); highest among the groups gnomAD compares: Admixed American, 0.01%; 1 homozygote.

Submissions (7):

Revvity Omics, Revvity
Classification: Uncertain significance for Polycystic kidney disease 4. Last evaluated: 2024-04-26. Review status: criteria provided, single submitter. Criteria: ACMG Guidelines, 2015. Collection method: clinical testing. Allele origin: germline.

Ambry Genetics
Classification: Likely benign for Inborn genetic diseases. Last evaluated: 2023-12-19. Review status: criteria provided, single submitter. Criteria: Ambry Variant Classification Scheme 2023. Collection method: clinical testing. Allele origin: germline.

GeneDx
Classification: Uncertain significance. Last evaluated: 2023-09-22. Review status: criteria provided, single submitter. Criteria: GeneDx Variant Classification Process June 2021. Collection method: clinical testing. Allele origin: germline. Affected: yes.
Comment: Not observed at a significant frequency in large population cohorts (gnomAD); In silico analysis supports that this missense variant does not alter protein structure/function; Has not been previously published as pathogenic or benign to our knowledge

Blueprint Genetics
Classification: Uncertain significance. Last evaluated: 2022-07-28. Review status: criteria provided, single submitter. Criteria: ACMG Guidelines, 2015. Collection method: clinical testing. Allele origin: germline.

Labcorp Genetics (formerly Invitae), Labcorp
Classification: Uncertain significance for Autosomal recessive polycystic kidney disease. Last evaluated: 2021-08-30. Review status: criteria provided, single submitter. Criteria: Invitae Variant Classification Sherloc (09022015). Collection method: clinical testing. Allele origin: germline.
Comment: This sequence change replaces arginine with glutamine at codon 994 of the PKHD1 protein (p.Arg994Gln). The arginine residue is weakly conserved and there is a small physicochemical difference between arginine and glutamine. This variant is not present in population databases (ExAC no frequency). This variant has not been reported in the literature in individuals affected with PKHD1-related conditions. Algorithms developed to predict the effect of missense changes on protein structure and function output the following: SIFT: "Tolerated"; PolyPhen-2: "Benign"; Align-GVGD: "Class C0". The glutamine amino acid residue is found in multiple mammalian species, which suggests that this missense change does not adversely affect protein function. Algorithms developed to predict the effect of sequence changes on RNA splicing suggest that this variant may create or strengthen a splice site. In summary, the available evidence is currently insufficient to determine the role of this variant in disease. Therefore, it has been classified as a Variant of Uncertain Significance.

Eurofins Ntd Llc (ga)
Classification: Uncertain significance. Last evaluated: 2018-05-04. Review status: criteria provided, single submitter. Criteria: EGL ClinVar v180209 classification definitions. Collection method: clinical testing. Allele origin: germline. Observed: 1 variant allele, 1 heterozygote.

Natera, Inc.
Classification: Uncertain significance for Autosomal recessive polycystic kidney disease. Last evaluated: 2018-05-14. Review status: no assertion criteria provided. Collection method: clinical testing. Allele origin: germline. Not counted in ClinVar's aggregate classification.